The following is an entry in ClinVar:

NM_016366.3(CABP2):c.76G>A (p.Gly26Ser)

Gene: CABP2 (calcium binding protein 2; minus strand). Cytogenetic location: 11q13.2.
Variant type: single nucleotide variant.
Coding change: c.76G>A on transcript NM_016366.3 (MANE Select); coding-DNA position 76, G replaced by A.
Protein change: p.Gly26Ser; replaces glycine 26 with serine.
Molecular consequence: missense variant. On other transcripts: synonymous variant (1).
Genome position (GRCh38, 1-based): chr11:67,522,683, C>T on the plus strand (G>A on the coding strand, the complement: CABP2 is on the minus strand). VCF-style: chr11-67522683-C-T. GRCh37 (hg19) VCF-style: chr11-67290154-C-T.
Other names: c.90G>A, p.Gly30= (NM_001318496.2); short protein forms G26S.
Identifiers: ClinVar variation 2165508 (VCV002165508.4), dbSNP rs1217710255, ClinGen allele CA381519040.

ClinVar aggregate classification (germline): Uncertain significance (1 of 4 stars; one submission).

Allele frequency attached by ClinVar (database versions not stated): TOPMed below 0.00001; gnomAD 0.00001.
gnomAD v4.1: 25 of 1,524,202 alleles (0.0016%); highest among the groups gnomAD compares: South Asian, 0.021%; no homozygotes.

Submission:

Labcorp Genetics (formerly Invitae), Labcorp
Classification: Uncertain significance. Last evaluated: 2022-07-04. Review status: criteria provided, single submitter. Criteria: Invitae Variant Classification Sherloc (09022015). Collection method: clinical testing. Allele origin: germline.
Comment: This sequence change replaces glycine, which is neutral and non-polar, with serine, which is neutral and polar, at codon 26 of the CABP2 protein (p.Gly26Ser). This variant is not present in population databases (gnomAD no frequency). In summary, the available evidence is currently insufficient to determine the role of this variant in disease. Therefore, it has been classified as a Variant of Uncertain Significance. Algorithms developed to predict the effect of missense changes on protein structure and function output the following: SIFT: "Tolerated"; PolyPhen-2: "Benign"; Align-GVGD: "Class C0". The serine amino acid residue is found in multiple mammalian species, which suggests that this missense change does not adversely affect protein function. This variant has not been reported in the literature in individuals affected with CABP2-related conditions.